The following is an entry in ClinVar:

ClinVar aggregate classification (germline): Uncertain significance (1 of 4 stars; one submission).

Conditions:
Ullrich congenital muscular dystrophy 2 (UCMD2). Identifiers: Orphanet 75840, MedGen C4225314, MONDO:0014654, OMIM 616470.
Bethlem myopathy 2 (BTHLM2). Identifiers: Orphanet 536516, Orphanet 610, MedGen C4225313, MONDO:0034022, OMIM 616471.

Allele frequency attached by ClinVar (database versions not stated): gnomAD exomes 0.00001; TOPMed 0.00001.
gnomAD v4.1: 8 of 1,613,088 alleles (0.0005%); highest among the groups gnomAD compares: Non-Finnish European, 0.00068%; no homozygotes.

Submission:

Labcorp Genetics (formerly Invitae), Labcorp
Classification: Uncertain significance for Bethlem myopathy 2; Ullrich congenital muscular dystrophy 2. Last evaluated: 2023-05-08. Review status: criteria provided, single submitter. Criteria: Invitae Variant Classification Sherloc (09022015). Collection method: clinical testing. Allele origin: germline.
Comment: This variant is not present in population databases (gnomAD no frequency). This variant has not been reported in the literature in individuals affected with COL12A1-related conditions. In summary, the available evidence is currently insufficient to determine the role of this variant in disease. Therefore, it has been classified as a Variant of Uncertain Significance. Advanced modeling of protein sequence and biophysical properties (such as structural, functional, and spatial information, amino acid conservation, physicochemical variation, residue mobility, and thermodynamic stability) performed at Invitae indicates that this missense variant is not expected to disrupt COL12A1 protein function. This sequence change replaces arginine, which is basic and polar, with glycine, which is neutral and non-polar, at codon 262 of the COL12A1 protein (p.Arg262Gly).

NM_004370.6(COL12A1):c.784A>G (p.Arg262Gly)

Gene: COL12A1 (collagen type XII alpha 1 chain; minus strand). Cytogenetic location: 6q13.
Variant type: single nucleotide variant.
Coding change: c.784A>G on transcript NM_004370.6 (MANE Select); coding-DNA position 784, A replaced by G.
Protein change: p.Arg262Gly; replaces arginine 262 with glycine.
Molecular consequence: missense variant. On other transcripts: intron variant (2).
Genome position (GRCh38, 1-based): chr6:75,189,256, T>C on the plus strand (A>G on the coding strand, the complement: COL12A1 is on the minus strand). VCF-style: chr6-75189256-T-C. GRCh37 (hg19) VCF-style: chr6-75898972-T-C.
Other names: c.784A>G, p.Arg262Gly (NM_001424113.1, NM_001424114.1, NM_001424115.1); c.73+13464A>G (NM_001424116.1, NM_080645.3); short protein forms R262G.
Identifiers: ClinVar variation 2924111 (VCV002924111.3), dbSNP rs1400428733, ClinGen allele CA364727863.